The following is an entry in ClinVar:

ClinVar aggregate classification (germline): Conflicting classifications of pathogenicity. Review status: criteria provided, conflicting classifications (1 of 4 stars). 2 submissions from 2 submitters: Likely pathogenic (1); Uncertain significance (1). Last evaluated 2024-06-12.

Conditions:
Developmental delay with or without intellectual impairment or behavioral abnormalities. Identifiers: MedGen C5562004, MONDO:0859199, OMIM 619575.

gnomAD v4.1: 4 of 1,598,366 alleles (0.00025%); highest among the groups gnomAD compares: Non-Finnish European, 0.00034%; no homozygotes.

Submissions (2):

MVZ Medizinische Genetik Mainz
Classification: Likely pathogenic for Developmental delay with or without intellectual impairment or behavioral abnormalities. Last evaluated: 2024-06-12. Review status: criteria provided, single submitter. Criteria: UK Practice Guidelines For Variant Classification V4 01 2020. Collection method: clinical testing. Allele origin: germline. Inheritance: Autosomal dominant inheritance. Affected: yes. Observed: 1 variant allele.
Comment: ACMG Criteria: PM1,PP3_MOD,PS3_SUP,PS4_SUP,PM2_SUP,PP2

Blueprint Genetics
Classification: Uncertain significance. Last evaluated: 2021-11-05. Review status: criteria provided, single submitter. Criteria: ACMG Guidelines, 2015. Collection method: clinical testing. Allele origin: germline.

NM_020791.4(TAOK1):c.656C>T (p.Ala219Val)

Gene: TAOK1 (TAO kinase 1; plus strand). Cytogenetic location: 17q11.2.
Variant type: single nucleotide variant.
Coding change: c.656C>T on transcript NM_020791.4 (MANE Select); coding-DNA position 656, C replaced by T.
Protein change: p.Ala219Val; replaces alanine 219 with valine.
Molecular consequence: missense variant.
Genome position (GRCh38, 1-based): chr17:29,489,664, C>T. VCF-style: chr17-29489664-C-T. GRCh37 (hg19) VCF-style: chr17-27816682-C-T.
Other names: c.656C>T, p.Ala219Val (NM_025142.1); short protein forms A219V.
Identifiers: ClinVar variation 4857293 (VCV004857293.2).